The following is an entry in ClinVar:

ClinVar aggregate classification (germline): Uncertain significance (1 of 4 stars; one submission).

Conditions:
Infantile neuroaxonal dystrophy (NBIA2A). Also called: NEURODEGENERATION WITH BRAIN IRON ACCUMULATION 2A; SEITELBERGER DISEASE; Infantile neuroaxonal dystrophy 1. Identifiers: Orphanet 35069, MedGen C0270724, MONDO:0024457, OMIM 256600.

Allele frequency attached by ClinVar (database versions not stated): gnomAD 0.00001; gnomAD exomes below 0.00001; TOPMed 0.00001.
gnomAD v4.1: 19 of 1,614,126 alleles (0.0012%); highest among the groups gnomAD compares: Non-Finnish European, 0.0016%; no homozygotes.

Submission:

Labcorp Genetics (formerly Invitae), Labcorp
Classification: Uncertain significance for Infantile neuroaxonal dystrophy. Last evaluated: 2022-06-27. Review status: criteria provided, single submitter. Criteria: Invitae Variant Classification Sherloc (09022015). Collection method: clinical testing. Allele origin: germline.
Comment: This sequence change replaces threonine, which is neutral and polar, with isoleucine, which is neutral and non-polar, at codon 10 of the PLA2G6 protein (p.Thr10Ile). This variant is present in population databases (no rsID available, gnomAD 0.002%). This variant has not been reported in the literature in individuals affected with PLA2G6-related conditions. Advanced modeling of protein sequence and biophysical properties (such as structural, functional, and spatial information, amino acid conservation, physicochemical variation, residue mobility, and thermodynamic stability) performed at Invitae indicates that this missense variant is expected to disrupt PLA2G6 protein function. In summary, the available evidence is currently insufficient to determine the role of this variant in disease. Therefore, it has been classified as a Variant of Uncertain Significance.

NM_003560.4(PLA2G6):c.29C>T (p.Thr10Ile)

Gene: PLA2G6 (phospholipase A2 group VI; minus strand). Cytogenetic location: 22q13.1.
Variant type: single nucleotide variant.
Coding change: c.29C>T on transcript NM_003560.4 (MANE Select); coding-DNA position 29, C replaced by T.
Protein change: p.Thr10Ile; replaces threonine 10 with isoleucine.
Molecular consequence: missense variant. On other transcripts: 5 prime UTR variant (3).
Genome position (GRCh38, 1-based): chr22:38,169,398, G>A on the plus strand (C>T on the coding strand, the complement: PLA2G6 is on the minus strand). VCF-style: chr22-38169398-G-A. GRCh37 (hg19) VCF-style: chr22-38565405-G-A.
Other names: c.29C>T, p.Thr10Ile (NM_001004426.3, NM_001199562.3, NM_001349864.2 and 2 more transcripts); c.-637C>T (NM_001349867.2, NM_001349869.2); c.-462C>T (NM_001349868.2); short protein forms T10I.
Identifiers: ClinVar variation 1484248 (VCV001484248.5), dbSNP rs1323819447, ClinGen allele CA411521124.